The following is an entry in ClinVar:

NM_001297.5(CNGB1):c.1418A>T (p.Asp473Val)

Gene: CNGB1 (cyclic nucleotide gated channel subunit beta 1; minus strand). Cytogenetic location: 16q21.
Variant type: single nucleotide variant.
Coding change: c.1418A>T on transcript NM_001297.5 (MANE Select); coding-DNA position 1418, A replaced by T.
Protein change: p.Asp473Val; replaces aspartic acid 473 with valine.
Molecular consequence: missense variant.
Genome position (GRCh38, 1-based): chr16:57,931,833, T>A on the plus strand (A>T on the coding strand, the complement: CNGB1 is on the minus strand). VCF-style: chr16-57931833-T-A. GRCh37 (hg19) VCF-style: chr16-57965737-T-A.
Other names: c.1400A>T, p.Asp467Val (NM_001286130.2); short protein forms D467V, D473V.
Identifiers: ClinVar variation 1345694 (VCV001345694.6), dbSNP rs769808679, ClinGen allele CA8083433.
Genomic context (GRCh38, chr16:57,931,833, plus strand): 5'-GGTGGCGGCAACACGGTTGAGGGTGGATTCTCTTCTGCCATGAGGGGGCAGCTATCAGCA[T>A]CAGTATCTTCCACCTGCACTTCTGGGTGCTGTTTCGTGGCAGGCACTGGGGGAGAGGAAG-3'
Protein context (NP_001288.3, residues 463-483): QHPEVQVEDT[Asp473Val]ADSCPLMAEE

ClinVar aggregate classification (germline): Uncertain significance (1 of 4 stars; one submission).

Allele frequency attached by ClinVar (database versions not stated): gnomAD exomes 0.00001 and 0.00002; TOPMed 0.00002; gnomAD 0.00003 and 0.00004; ExAC 0.00004.
gnomAD v4.1: 22 of 1,614,028 alleles (0.0014%); highest among the groups gnomAD compares: African/African-American, 0.0027%; no homozygotes.

Submission:

Labcorp Genetics (formerly Invitae), Labcorp
Classification: Uncertain significance. Last evaluated: 2022-08-23. Review status: criteria provided, single submitter. Criteria: Invitae Variant Classification Sherloc (09022015). Collection method: clinical testing. Allele origin: germline.
Comment: In summary, the available evidence is currently insufficient to determine the role of this variant in disease. Therefore, it has been classified as a Variant of Uncertain Significance. Advanced modeling of protein sequence and biophysical properties (such as structural, functional, and spatial information, amino acid conservation, physicochemical variation, residue mobility, and thermodynamic stability) performed at Invitae indicates that this missense variant is not expected to disrupt CNGB1 protein function. ClinVar contains an entry for this variant (Variation ID: 1345694). This variant has not been reported in the literature in individuals affected with CNGB1-related conditions. This variant is present in population databases (rs769808679, gnomAD 0.004%). This sequence change replaces aspartic acid, which is acidic and polar, with valine, which is neutral and non-polar, at codon 473 of the CNGB1 protein (p.Asp473Val).